The following is an entry in ClinVar:

NM_006493.4(CLN5):c.175C>T (p.Arg59Cys)

Gene: CLN5 (CLN5 lysosomal BMP synthase; plus strand). Cytogenetic location: 13q22.3.
Variant type: single nucleotide variant.
Coding change: c.175C>T on transcript NM_006493.4 (MANE Select); coding-DNA position 175, C replaced by T.
Protein change: p.Arg59Cys; replaces arginine 59 with cysteine.
Molecular consequence: missense variant.
Genome position (GRCh38, 1-based): chr13:76,995,064, C>T. VCF-style: chr13-76995064-C-T. GRCh37 (hg19) VCF-style: chr13-77569199-C-T.
Other names: c.322C>T (LRG_692t1); c.175C>T, p.Arg59Cys (NM_001366624.2); short protein forms R59C.
Identifiers: ClinVar variation 451777 (VCV000451777.15), dbSNP rs765773686, ClinGen allele CA388307652.

ClinVar aggregate classification (germline): Uncertain significance. Review status: criteria provided, multiple submitters, no conflicts (2 of 4 stars). 4 submissions from 4 submitters: Uncertain significance (3). 1 of the submissions does not count toward it. Last evaluated 2024-10-17.

Conditions:
Neuronal ceroid lipofuscinosis. Also called: Neuronal Ceroid Lipofuscinoses. Identifiers: Orphanet 216, Orphanet 79263, MedGen C0027877, MONDO:0016295. Disease mechanism: loss of function.
Neuronal ceroid lipofuscinosis 5 (CLN5). Also called: CEROID LIPOFUSCINOSIS, NEURONAL, 5, VARIABLE AGE AT ONSET; CLN5-Related Neuronal Ceroid-Lipofuscinosis; Neuronal ceroid lipofuscinosis Finnish variant; NEURONAL CEROID LIPOFUSCINOSIS, LATE INFANTILE, FINNISH VARIANT. Identifiers: Orphanet 168491, Orphanet 228360, MedGen C1850442, MONDO:0009745, OMIM 256731.

Allele frequency attached by ClinVar (database versions not stated): TOPMed 0.00001.
gnomAD v4.1: 9 of 1,613,196 alleles (0.00056%); highest among the groups gnomAD compares: Non-Finnish European, 0.00076%; no homozygotes.

Submissions (4):

Labcorp Genetics (formerly Invitae), Labcorp
Classification: Uncertain significance for Neuronal ceroid lipofuscinosis. Last evaluated: 2024-10-17. Review status: criteria provided, single submitter. Criteria: Invitae Variant Classification Sherloc (09022015). Collection method: clinical testing. Allele origin: germline.
Comment: This sequence change replaces arginine, which is basic and polar, with cysteine, which is neutral and slightly polar, at codon 108 of the CLN5 protein (p.Arg108Cys). This variant is present in population databases (no rsID available, gnomAD 0.0009%). This variant has not been reported in the literature in individuals affected with CLN5-related conditions. ClinVar contains an entry for this variant (Variation ID: 451777). An algorithm developed to predict the effect of missense changes on protein structure and function (PolyPhen-2) suggests that this variant is likely to be disruptive. In summary, the available evidence is currently insufficient to determine the role of this variant in disease. Therefore, it has been classified as a Variant of Uncertain Significance.

Genome-Nilou Lab
Classification: Uncertain significance for Neuronal ceroid lipofuscinosis 5. Last evaluated: 2021-09-05. Review status: criteria provided, single submitter. Criteria: ACMG Guidelines, 2015. Collection method: clinical testing. Allele origin: germline. Affected: no.

GeneDx
Classification: Uncertain significance. Last evaluated: 2017-08-30. Review status: criteria provided, single submitter. Criteria: GeneDx Variant Classification (06012015). Collection method: clinical testing. Allele origin: germline. Affected: yes.
Comment: A variant of uncertain significance has been identified in the CLN5 gene. The R108C variant has not been published as a pathogenic variant, nor has it been reported as a benign variant to our knowledge. The R108C variant is not observed in large population cohorts (Lek et al., 2016; 1000 Genomes Consortium et al., 2015; Exome Variant Server). The R108C variant is a non-conservative amino acid substitution, which is likely to impact secondary protein structure as these residues differ in polarity, charge, size and/or other properties. This substitution occurs at a position that is conserved across species. In silico analysis predicts this variant is probably damaging to the protein structure/function. Therefore, based on the currently available information, it is unclear whether this variant is a pathogenic variant or a rare benign variant.

Natera, Inc.
Classification: Uncertain significance for Neuronal ceroid lipofuscinosis. Last evaluated: 2020-12-10. Review status: no assertion criteria provided. Collection method: clinical testing. Allele origin: germline. Not counted in ClinVar's aggregate classification.